The following is an entry in ClinVar:

NM_001082486.2(ACD):c.198T>C (p.Ser66=)

Gene: ACD (ACD shelterin complex subunit and telomerase recruitment factor; minus strand). Cytogenetic location: 16q22.1.
Variant type: single nucleotide variant.
Coding change: c.198T>C on transcript NM_001082486.2 (MANE Select); coding-DNA position 198, T replaced by C.
Protein change: p.Ser66=; no amino-acid change (serine 66 retained).
Molecular consequence: synonymous variant.
Genome position (GRCh38, 1-based): chr16:67,659,947, A>G on the plus strand (T>C on the coding strand, the complement: ACD is on the minus strand). VCF-style: chr16-67659947-A-G. GRCh37 (hg19) VCF-style: chr16-67693850-A-G.
Other names: c.198T>C, p.Ser66= (NM_001410884.1); c.189T>C, p.Ser63= (NM_022914.3).
Identifiers: ClinVar variation 1741564 (VCV001741564.8), dbSNP rs968504696, ClinGen allele CA283218541.

ClinVar aggregate classification (germline): Likely benign. Review status: criteria provided, multiple submitters, no conflicts (2 of 4 stars). 3 submissions from 3 submitters: Likely benign (3). Last evaluated 2026-01-01.

Conditions:
Inborn genetic diseases. Identifiers: MedGen C0950123, MeSH D030342.
Dyskeratosis congenita, autosomal dominant 6 (DKCA6). Identifiers: Orphanet 3322, MedGen C4225284, MONDO:0014690, OMIM 616553.

Allele frequency attached by ClinVar (database versions not stated): gnomAD exomes below 0.00001.

Submissions (3):

CeGaT Center for Human Genetics Tuebingen
Classification: Likely benign. Last evaluated: 2026-01-01. Review status: criteria provided, single submitter. Criteria: CeGaT Center For Human Genetics Tuebingen Variant Classification Criteria Version 2. Collection method: clinical testing. Allele origin: germline. Affected: yes. Observed: 1 variant allele.
Comment: ACD: BP4, BP7

Labcorp Genetics (formerly Invitae), Labcorp
Classification: Likely benign for Dyskeratosis congenita, autosomal dominant 6. Last evaluated: 2024-06-22. Review status: criteria provided, single submitter. Criteria: Invitae Variant Classification Sherloc (09022015). Collection method: clinical testing. Allele origin: germline.

Ambry Genetics
Classification: Likely benign for Inborn genetic diseases. Last evaluated: 2022-04-09. Review status: criteria provided, single submitter. Criteria: Ambry Variant Classification Scheme 2023. Collection method: clinical testing. Allele origin: germline.